The following is an entry in ClinVar:

NM_017780.4(CHD7):c.110T>C (p.Met37Thr)

Gene: CHD7 (chromodomain helicase DNA binding protein 7; plus strand). Cytogenetic location: 8q12.2.
Variant type: single nucleotide variant.
Coding change: c.110T>C on transcript NM_017780.4 (MANE Select); coding-DNA position 110, T replaced by C.
Protein change: p.Met37Thr; replaces methionine 37 with threonine.
Molecular consequence: missense variant.
Genome position (GRCh38, 1-based): chr8:60,741,542, T>C. VCF-style: chr8-60741542-T-C. GRCh37 (hg19) VCF-style: chr8-61654101-T-C.
Other names: c.110T>C, p.Met37Thr (NM_001316690.1); short protein forms M37T.
Identifiers: ClinVar variation 2658612 (VCV002658612.28), dbSNP rs1809009948, ClinGen allele CA371295654.
Genomic context (GRCh38, chr8:60,741,542, plus strand): 5'-TCAGTGAAGGTCTTGAAGGCCTCGGAGAATGTGGTTACCCGGAAAATCCAGTAAATCCTA[T>C]GGGTCAGCAAATGCCAATAGACCAAGGCTTTGCCTCTTTACAGCCATCCCTTCATCATCC-3'
Protein context (NP_060250.2, residues 27-47): CGYPENPVNP[Met37Thr]GQQMPIDQGF

ClinVar aggregate classification (germline): Uncertain significance. Review status: criteria provided, multiple submitters, no conflicts (2 of 4 stars). 3 submissions from 3 submitters: Uncertain significance (3). Last evaluated 2024-11-23.

Conditions:
CHARGE syndrome (CHARGE). Also called: Hittner Hirsch Kreh syndrome; CHARGE ASSOCIATION--COLOBOMA, HEART ANOMALY, CHOANAL ATRESIA, RETARDATION, GENITAL AND EAR ANOMALIES; Coloboma, heart anomaly, choanal atresia, retardation, genital and ear anomalies; CHARGE association; Hall-Hittner syndrome. Identifiers: Orphanet 138, MedGen C0265354, MONDO:0008965.

Allele frequency attached by ClinVar (database versions not stated): gnomAD exomes below 0.00001; TOPMed below 0.00001.
gnomAD v4.1: 2 of 1,613,502 alleles (0.00012%); highest among the groups gnomAD compares: Non-Finnish European, 0.00017%; no homozygotes.

Submissions (3):

Blueprint Genetics
Classification: Uncertain significance. Last evaluated: 2024-11-23. Review status: criteria provided, single submitter. Criteria: ACMG Guidelines, 2015. Collection method: clinical testing. Allele origin: germline.

Labcorp Genetics (formerly Invitae), Labcorp
Classification: Uncertain significance for CHARGE syndrome. Last evaluated: 2023-06-15. Review status: criteria provided, single submitter. Criteria: Invitae Variant Classification Sherloc (09022015). Collection method: clinical testing. Allele origin: germline.
Comment: In summary, the available evidence is currently insufficient to determine the role of this variant in disease. Therefore, it has been classified as a Variant of Uncertain Significance. Advanced modeling of protein sequence and biophysical properties (such as structural, functional, and spatial information, amino acid conservation, physicochemical variation, residue mobility, and thermodynamic stability) performed at Invitae indicates that this missense variant is not expected to disrupt CHD7 protein function. This variant has not been reported in the literature in individuals affected with CHD7-related conditions. This variant is not present in population databases (gnomAD no frequency). This sequence change replaces methionine, which is neutral and non-polar, with threonine, which is neutral and polar, at codon 37 of the CHD7 protein (p.Met37Thr).

CeGaT Center for Human Genetics Tuebingen
Classification: Uncertain significance. Last evaluated: 2023-02-01. Review status: criteria provided, single submitter. Criteria: CeGaT Center For Human Genetics Tuebingen Variant Classification Criteria Version 2. Collection method: clinical testing. Allele origin: germline. Affected: yes. Observed: 1 variant allele.
Comment: CHD7: PM2